The following is an entry in ClinVar:

ClinVar aggregate classification (germline): Pathogenic (1 of 4 stars; one submission).

Conditions:
Multiple congenital exostosis (EXT). Also called: MULTIPLE CARTILAGINOUS EXOSTOSES; Hereditary multiple exostoses; Hereditary multiple exostosis; Multiple exostoses; Multiple osteochondromas; Hereditary multiple osteochondromas. Identifiers: Orphanet 321, MedGen C0015306, MONDO:0005508, HP:0002762.

Submission:

Labcorp Genetics (formerly Invitae), Labcorp
Classification: Pathogenic for Multiple congenital exostosis. Last evaluated: 2019-05-14. Review status: criteria provided, single submitter. Criteria: Invitae Variant Classification Sherloc (09022015). Collection method: clinical testing. Allele origin: germline.
Comment: For these reasons, this variant has been classified as Pathogenic. Loss-of-function variants in EXT1 are known to be pathogenic (PMID: 10679937, 11391482, 19810120). This variant has not been reported in the literature in individuals with EXT1-related conditions. This variant is not present in population databases (ExAC no frequency). This sequence change creates a premature translational stop signal (p.Phe250Valfs*39) in the EXT1 gene. It is expected to result in an absent or disrupted protein product.

Literature cited by the submitters: PubMed 10679937; PubMed 11391482; PubMed 19810120.

NM_000127.3(EXT1):c.747dup (p.Phe250fs)

Gene: EXT1 (exostosin glycosyltransferase 1; minus strand). Cytogenetic location: 8q24.11.
Variant type: Duplication.
Coding change: c.747dup on transcript NM_000127.3 (MANE Select); coding-DNA position 747, one base duplicated (G; older notation c.747dupG).
Protein change: p.Phe250fs; shifts the reading frame from phenylalanine 250.
Molecular consequence: frameshift variant.
Genome position (GRCh38, 1-based): chr8:118,110,300, C duplicated on the plus strand (G on the coding strand, the reverse complement: EXT1 is on the minus strand); the first of 5 consecutive C bases (chr8:118,110,300-118,110,304); duplicating any one gives the same sequence. VCF-style (leftmost placement, unchanged base first): chr8-118110299-A-AC. GRCh37 (hg19) VCF-style: chr8-119122538-A-AC.
Other names: short protein forms F250fs.
Identifiers: ClinVar variation 846554 (VCV000846554.7), dbSNP rs1817872132, ClinGen allele CA916081525.
Genomic context (GRCh38, chr8:118,110,299, plus strand): 5'-TCTTCCCCTTGAATACCAGCATGTACTTCCTGAGAGGAGGGATGGTGTTGAACTTCAAAA[A>AC]CCCCCTCTCCCCTCCTGTCCTGGGATGATCCTTAGAAAAGAGGGGAATAGAAACATCAAA-3'